The following is an entry in ClinVar:

NM_001083614.2(EARS2):c.667G>A (p.Asp223Asn)

Gene: EARS2 (glutamyl-tRNA synthetase 2, mitochondrial; minus strand). Cytogenetic location: 16p12.2.
Variant type: single nucleotide variant.
Coding change: c.667G>A on transcript NM_001083614.2 (MANE Select); coding-DNA position 667, G replaced by A.
Protein change: p.Asp223Asn; replaces aspartic acid 223 with asparagine.
Molecular consequence: missense variant. On other transcripts: non-coding transcript variant (1).
Genome position (GRCh38, 1-based): chr16:23,535,179, C>T on the plus strand (G>A on the coding strand, the complement: EARS2 is on the minus strand). VCF-style: chr16-23535179-C-T. GRCh37 (hg19) VCF-style: chr16-23546500-C-T.
Other names: c.667G>A, p.Asp223Asn (NM_001308211.1); short protein forms D223N.
Identifiers: ClinVar variation 318552 (VCV000318552.7), dbSNP rs746087016, ClinGen allele CA7962529.

ClinVar aggregate classification (germline): Conflicting classifications of pathogenicity. Review status: criteria provided, conflicting classifications (1 of 4 stars). 3 submissions from 3 submitters: Likely pathogenic (1); Uncertain significance (2). Last evaluated 2022-07-23.

Conditions:
Leukoencephalopathy-thalamus and brainstem anomalies-high lactate syndrome. Also called: LEUKOENCEPHALOPATHY WITH THALAMUS AND BRAINSTEM INVOLVEMENT AND HIGH LACTATE; Combined oxidative phosphorylation deficiency 12. Identifiers: Orphanet 314051, MedGen C4706421, MONDO:0013971, OMIM 614924.

Allele frequency attached by ClinVar (database versions not stated): gnomAD exomes 0.00001 and 0.00010; gnomAD 0.00003 and 0.00004; TOPMed 0.00005; ExAC 0.00013.
gnomAD v4.1: 26 of 1,613,666 alleles (0.0016%); highest among the groups gnomAD compares: East Asian, 0.047%; no homozygotes.

Submissions (3):

Labcorp Genetics (formerly Invitae), Labcorp
Classification: Uncertain significance. Last evaluated: 2022-07-23. Review status: criteria provided, single submitter. Criteria: Invitae Variant Classification Sherloc (09022015). Collection method: clinical testing. Allele origin: germline.
Comment: This sequence change replaces aspartic acid, which is acidic and polar, with asparagine, which is neutral and polar, at codon 223 of the EARS2 protein (p.Asp223Asn). This variant is present in population databases (rs746087016, gnomAD 0.1%). This variant has not been reported in the literature in individuals affected with EARS2-related conditions. ClinVar contains an entry for this variant (Variation ID: 318552). Advanced modeling of protein sequence and biophysical properties (such as structural, functional, and spatial information, amino acid conservation, physicochemical variation, residue mobility, and thermodynamic stability) performed at Invitae indicates that this missense variant is expected to disrupt EARS2 protein function. In summary, the available evidence is currently insufficient to determine the role of this variant in disease. Therefore, it has been classified as a Variant of Uncertain Significance.

Illumina Laboratory Services, Illumina
Classification: Uncertain significance for Leukoencephalopathy-thalamus and brainstem anomalies-high lactate syndrome. Last evaluated: 2018-01-13. Review status: criteria provided, single submitter. Criteria: ICSL Variant Classification Criteria 13 December 2019. Collection method: clinical testing. Allele origin: germline.

GeneDx
Classification: Likely pathogenic. Last evaluated: 2016-11-21. Review status: criteria provided, single submitter. Criteria: GeneDx Variant Classification (06012015). Collection method: clinical testing. Allele origin: germline. Affected: yes.
Comment: The D223N variant has not been published as a pathogenic variant, nor has it been reported as a benign variant to our knowledge. The D223N variant was not observed in approximately 6,300 individuals of European and African American ancestry in the NHLBI Exome Sequencing Project, indicating it is not a common benign variant in these populations. The D223N variant is a semi-conservative amino acid substitution, which may impact secondary protein structure as these residues differ in some properties. This substitution occurs at a position that is conserved across species, and in silico analysis predicts this variant is probably damaging to the protein structure/function. Therefore, this variant is likely pathogenic; however, the possibility that it is benign cannot be excluded.